The following is an entry in ClinVar:

ClinVar aggregate classification (germline): Likely benign (1 of 4 stars; one submission).

Submission:

CeGaT Center for Human Genetics Tuebingen
Classification: Likely benign. Last evaluated: 2023-04-01. Review status: criteria provided, single submitter. Criteria: CeGaT Center For Human Genetics Tuebingen Variant Classification Criteria Version 2. Collection method: clinical testing. Allele origin: germline. Affected: yes. Observed: 1 variant allele.
Comment: FAM90A14: PM2:Supporting, BP4, BP7

NM_001164452.1(FAM90A14):c.954C>T (p.Ser318=)

Gene: FAM90A14 (family with sequence similarity 90 member A14; plus strand). Cytogenetic location: 8p23.1.
Variant type: single nucleotide variant.
Coding change: c.954C>T on transcript NM_001164452.1 (MANE Select); coding-DNA position 954, C replaced by T.
Protein change: p.Ser318=; no amino-acid change (serine 318 retained).
Molecular consequence: synonymous variant.
Genome position (GRCh38, 1-based): chr8:7,718,012, C>T. VCF-style: chr8-7718012-C-T. GRCh37 (hg19) VCF-style: chr8-7575534-C-T.
Identifiers: ClinVar variation 2658364 (VCV002658364.24), dbSNP rs2487580884, ClinGen allele CA459366508.